The following is an entry in ClinVar:

ClinVar aggregate classification (germline): Likely benign (1 of 4 stars; one submission).

Allele frequency attached by ClinVar (database versions not stated): gnomAD 0.00005; TOPMed 0.00007; ExAC 0.00008; ESP Exome Variant Server 0.00008; gnomAD exomes 0.00009.
gnomAD v4.1: 135 of 1,614,072 alleles (0.0084%); highest among the groups gnomAD compares: Middle Eastern, 0.017%; no homozygotes.

Submission:

CeGaT Center for Human Genetics Tuebingen
Classification: Likely benign. Last evaluated: 2022-11-01. Review status: criteria provided, single submitter. Criteria: CeGaT Center For Human Genetics Tuebingen Variant Classification Criteria Version 2. Collection method: clinical testing. Allele origin: germline. Affected: yes. Observed: 1 variant allele.
Comment: CELSR1: BP4, BP7

NM_001378328.1(CELSR1):c.4269C>T (p.Ile1423=)

Gene: CELSR1 (cadherin EGF LAG seven-pass G-type receptor 1; minus strand). Cytogenetic location: 22q13.31.
Variant type: single nucleotide variant.
Coding change: c.4269C>T on transcript NM_001378328.1 (MANE Select); coding-DNA position 4269, C replaced by T.
Protein change: p.Ile1423=; no amino-acid change (isoleucine 1423 retained).
Molecular consequence: synonymous variant.
Genome position (GRCh38, 1-based): chr22:46,439,326, G>A on the plus strand (C>T on the coding strand, the complement: CELSR1 is on the minus strand). VCF-style: chr22-46439326-G-A. GRCh37 (hg19) VCF-style: chr22-46835223-G-A.
Other names: c.4269C>T, p.Ile1423= (NM_014246.4).
Identifiers: ClinVar variation 2653336 (VCV002653336.24), dbSNP rs376155844, ClinGen allele CA10294730.
Genomic context (GRCh38, chr22:46,439,326, plus strand): 5'-GGTCACCTCACAGTAGGGCCTCTCATACTCGCCAGGAGGACACACGCAGTGGAAGCCGCC[G>A]ATGAGCAGGTTCACGCAGGTGCCCCCGTTCTTGCACACCCCGTTGGCACAGCGGCCTGAG-3'
Protein context (NP_001365257.1, residues 1413-1433): KNGGTCVNLL[Ile1423=]GGFHCVCPPG